The following is an entry in ClinVar:

ClinVar aggregate classification (germline): Likely benign. Review status: criteria provided, multiple submitters, no conflicts (2 of 4 stars). 2 submissions from 2 submitters: Likely benign (2). Last evaluated 2025-07-30.

Conditions:
Combined oxidative phosphorylation defect type 27. Also called: Combined oxidative phosphorylation deficiency 27. Identifiers: Orphanet 477774, MedGen C5567608, MONDO:0014728, OMIM 616672.

Allele frequency attached by ClinVar (database versions not stated): gnomAD 0.00005 and 0.00006; TOPMed 0.00008; gnomAD exomes 0.00019; 1000 Genomes Project 0.00020; 1000 Genomes Project 30x 0.00031; ExAC 0.00044.
gnomAD v4.1: 314 of 1,602,568 alleles (0.02%); highest among the groups gnomAD compares: South Asian, 0.099%; 1 homozygote.

Submissions (2):

Labcorp Genetics (formerly Invitae), Labcorp
Classification: Likely benign for Combined oxidative phosphorylation defect type 27. Last evaluated: 2025-07-30. Review status: criteria provided, single submitter. Criteria: Invitae Variant Classification Sherloc (09022015). Collection method: clinical testing. Allele origin: germline.

CeGaT Center for Human Genetics Tuebingen
Classification: Likely benign. Last evaluated: 2023-10-01. Review status: criteria provided, single submitter. Criteria: CeGaT Center For Human Genetics Tuebingen Variant Classification Criteria Version 2. Collection method: clinical testing. Allele origin: germline. Affected: yes. Observed: 1 variant allele.
Comment: CARS2: BP4, BP7

NM_024537.4(CARS2):c.1167C>T (p.Ser389=)

Gene: CARS2 (cysteinyl-tRNA synthetase 2, mitochondrial; minus strand). Cytogenetic location: 13q34.
Variant type: single nucleotide variant.
Coding change: c.1167C>T on transcript NM_024537.4 (MANE Select); coding-DNA position 1167, C replaced by T.
Protein change: p.Ser389=; no amino-acid change (serine 389 retained).
Molecular consequence: synonymous variant. On other transcripts: non-coding transcript variant (2).
Genome position (GRCh38, 1-based): chr13:110,647,127, G>A on the plus strand (C>T on the coding strand, the complement: CARS2 is on the minus strand). VCF-style: chr13-110647127-G-A. GRCh37 (hg19) VCF-style: chr13-111299474-G-A.
Other names: c.381C>T, p.Ser127= (NM_001352252.2).
Identifiers: ClinVar variation 715772 (VCV000715772.34), dbSNP rs41275134, ClinGen allele CA7051890.